The following is an entry in ClinVar:

NM_001048174.2(MUTYH):c.1388A>T (p.Lys463Ile)

Gene: MUTYH (mutY DNA glycosylase; minus strand). Cytogenetic location: 1p34.1.
Variant type: single nucleotide variant.
Coding change: c.1388A>T on transcript NM_001048174.2 (MANE Select); coding-DNA position 1388, A replaced by T.
Protein change: p.Lys463Ile; replaces lysine 463 with isoleucine.
Molecular consequence: missense variant. On other transcripts: non-coding transcript variant (2).
Genome position (GRCh38, 1-based): chr1:45,331,186, T>A on the plus strand (A>T on the coding strand, the complement: MUTYH is on the minus strand). VCF-style: chr1-45331186-T-A. GRCh37 (hg19) VCF-style: chr1-45796858-T-A.
Other names: c.1388A>T, p.Lys463Ile (NM_001048171.2, NM_001048173.2, NM_001293195.2 and 6 more transcripts); c.1391A>T, p.Lys464Ile (NM_001048172.2, NM_001407071.1, NM_001407078.1 and 1 more transcripts); c.1472A>T, p.Lys491Ile (NM_001128425.2); c.1433A>T, p.Lys478Ile (NM_001293190.2); c.1421A>T, p.Lys474Ile (NM_001293191.2, NM_001407069.1, NM_001407077.1); c.1112A>T, p.Lys371Ile (NM_001293192.2, NM_001293196.2, NM_001407091.1); c.1043A>T, p.Lys348Ile (NM_001350650.2, NM_001350651.2, NM_001407082.1); c.1304A>T, p.Lys435Ile (NM_001407075.1); and 5 more; short protein forms K450I, K474I, K348I, K463I, K470I, K478I, K435I, K488I.
Identifiers: ClinVar variation 1773380 (VCV001773380.2), dbSNP rs1431036902, ClinGen allele CA340132475.

ClinVar aggregate classification (germline): Uncertain significance (1 of 4 stars; one submission).

Conditions:
Hereditary cancer-predisposing syndrome. Also called: Hereditary Cancer Syndrome; Hereditary neoplastic syndrome; Neoplastic Syndromes, Hereditary; Tumor predisposition. Identifiers: Orphanet 140162, MedGen C0027672, MeSH D009386, MONDO:0015356.

gnomAD v4.1: 1 of 1,614,228 alleles (0.000062%); highest among the groups gnomAD compares: Non-Finnish European, 0.000085%; no homozygotes.

Submission:

Ambry Genetics
Classification: Uncertain significance for Hereditary cancer-predisposing syndrome. Last evaluated: 2015-11-04. Review status: criteria provided, single submitter. Criteria: Ambry Variant Classification Scheme 2023. Collection method: clinical testing. Allele origin: germline.
Comment: The p.K491I variant (also known as c.1472A>T), located in coding exon 14 of the MUTYH gene, results from an A to T substitution at nucleotide position 1472. The lysine at codon 491 is replaced by isoleucine, an amino acid with dissimilar properties. This variant was not reported in population based cohorts in the following databases: Database of Single Nucleotide Polymorphisms (dbSNP), NHLBI Exome Sequencing Project (ESP), and 1000 Genomes Project. In the ESP, this variant was not observed in 6503 samples (13006 alleles) with coverage at this position. To date, this alteration has been detected with an allele frequency of approximately 0.001% (greater than 140000 alleles tested) in our clinical cohort. This amino acid position is highly conserved in available vertebrate species. In addition, this alteration is predicted to be deleterious by in silico analysis. Since supporting evidence is limited at this time, the clinical significance of p.K491I remains unclear.